The following is an entry in ClinVar:

NM_001605.3(AARS1):c.295G>A (p.Glu99Lys)

Gene: AARS1 (alanyl-tRNA synthetase 1; minus strand). Cytogenetic location: 16q22.1.
Variant type: single nucleotide variant.
Coding change: c.295G>A on transcript NM_001605.3 (MANE Select); coding-DNA position 295, G replaced by A.
Protein change: p.Glu99Lys; replaces glutamic acid 99 with lysine.
Molecular consequence: missense variant.
Genome position (GRCh38, 1-based): chr16:70,277,004, C>T on the plus strand (G>A on the coding strand, the complement: AARS1 is on the minus strand). VCF-style: chr16-70277004-C-T. GRCh37 (hg19) VCF-style: chr16-70310907-C-T.
Other names: short protein forms E99K.
Identifiers: ClinVar variation 580481 (VCV000580481.13), dbSNP rs777170136, ClinGen allele CA8141175.

ClinVar aggregate classification (germline): Uncertain significance. Review status: criteria provided, multiple submitters, no conflicts (2 of 4 stars). 2 submissions from 2 submitters: Uncertain significance (2). Last evaluated 2025-07-21.

Conditions:
Inborn genetic diseases. Identifiers: MedGen C0950123, MeSH D030342.
Charcot-Marie-Tooth disease type 2. Also called: Charcot-Marie-Tooth type 2. Identifiers: Orphanet 64746, MedGen C0270914, MONDO:0018993.

Allele frequency attached by ClinVar (database versions not stated): gnomAD 0.00001; TOPMed below 0.00001; ExAC 0.00001; gnomAD exomes below 0.00001.
gnomAD v4.1: 6 of 1,614,014 alleles (0.00037%); highest among the groups gnomAD compares: Non-Finnish European, 0.00051%; no homozygotes.

Submissions (2):

Labcorp Genetics (formerly Invitae), Labcorp
Classification: Uncertain significance for Charcot-Marie-Tooth disease type 2. Last evaluated: 2025-07-21. Review status: criteria provided, single submitter. Criteria: Invitae Variant Classification Sherloc (09022015). Collection method: clinical testing. Allele origin: germline.
Comment: This sequence change replaces glutamic acid, which is acidic and polar, with lysine, which is basic and polar, at codon 99 of the AARS protein (p.Glu99Lys). This variant is present in population databases (rs777170136, gnomAD 0.002%). This variant has not been reported in the literature in individuals affected with AARS-related conditions. ClinVar contains an entry for this variant (Variation ID: 580481). Invitae Evidence Modeling of protein sequence and biophysical properties (such as structural, functional, and spatial information, amino acid conservation, physicochemical variation, residue mobility, and thermodynamic stability) indicates that this missense variant is expected to disrupt AARS protein function with a positive predictive value of 95%. In summary, the available evidence is currently insufficient to determine the role of this variant in disease. Therefore, it has been classified as a Variant of Uncertain Significance.

Ambry Genetics
Classification: Uncertain significance for Inborn genetic diseases. Last evaluated: 2022-09-14. Review status: criteria provided, single submitter. Criteria: Ambry Variant Classification Scheme 2023. Collection method: clinical testing. Allele origin: germline.
Comment: The p.E99K variant (also known as c.295G>A), located in coding exon 2 of the AARS gene, results from a G to A substitution at nucleotide position 295. The glutamic acid at codon 99 is replaced by lysine, an amino acid with similar properties. This amino acid position is conserved. In addition, this alteration is predicted to be deleterious by in silico analysis. Since supporting evidence is limited at this time, the clinical significance of this alteration remains unclear.